The following is an entry in ClinVar:

NM_000142.5(FGFR3):c.955_957del (p.Lys319del)

Gene: FGFR3 (fibroblast growth factor receptor 3; plus strand). Cytogenetic location: 4p16.3.
Variant type: Deletion.
Coding change: c.955_957del on transcript NM_000142.5 (MANE Select); coding-DNA positions 955 to 957, 3 bases deleted (AAG; older notation c.955_957delAAG).
Protein change: p.Lys319del; deletes lysine 319.
Molecular consequence: inframe deletion. On other transcripts: inframe indel (1), non-coding transcript variant (1), intron variant (2).
Genome position (GRCh38, 1-based): chr4:1,803,716-1,803,718, AAG deleted. VCF-style (leftmost placement, unchanged base first): chr4-1803715-CAAG-C. GRCh37 (hg19) VCF-style: chr4-1805442-CAAG-C.
Other names: c.955_957delAAG, p.Lys319del (NM_000142.4); c.955_957del, p.Lys319del (NM_001354809.2, NM_001354810.2); c.1082-614_1082-612del (NM_001163213.2); c.931-1108_931-1106del (NM_022965.4); c.955_957delAAG (NM_000142.5); short protein forms K319del.
Identifiers: ClinVar variation 1706295 (VCV001706295.10), dbSNP rs755356471, ClinGen allele CA2810143.

ClinVar aggregate classification (germline): Uncertain significance. Review status: criteria provided, multiple submitters, no conflicts (2 of 4 stars). 4 submissions from 4 submitters: Uncertain significance (4). Last evaluated 2025-10-21.

Allele frequency attached by ClinVar (database versions not stated): TOPMed 0.00006; gnomAD exomes 0.00010; 1000 Genomes Project 30x 0.00016; ExAC 0.00003; gnomAD 0.00004.

Submissions (4):

GeneDx
Classification: Uncertain significance. Last evaluated: 2025-10-21. Review status: criteria provided, single submitter. Criteria: GeneDx Variant Classification Process June 2021. Collection method: clinical testing. Allele origin: germline.
Comment: In-frame deletion of 1 amino acid in a non-repeat region; In silico analysis supports a deleterious effect on protein structure/function; Has not been previously published as pathogenic or benign to our knowledge

Labcorp Genetics (formerly Invitae), Labcorp
Classification: Uncertain significance. Last evaluated: 2025-07-01. Review status: criteria provided, single submitter. Criteria: Invitae Variant Classification Sherloc (09022015). Collection method: clinical testing. Allele origin: germline.
Comment: This variant, c.955_957del, results in the deletion of 1 amino acid(s) of the FGFR3 protein (p.Lys319del), but otherwise preserves the integrity of the reading frame. This variant is present in population databases (rs755356471, gnomAD 0.008%). This variant has not been reported in the literature in individuals affected with FGFR3-related conditions. ClinVar contains an entry for this variant (Variation ID: 1706295). Experimental studies and prediction algorithms are not available or were not evaluated, and the functional significance of this variant is currently unknown. In summary, the available evidence is currently insufficient to determine the role of this variant in disease. Therefore, it has been classified as a Variant of Uncertain Significance.

Women's Health and Genetics/Laboratory Corporation of America, LabCorp
Classification: Uncertain significance. Last evaluated: 2024-04-18. Review status: criteria provided, single submitter. Criteria: LabCorp Variant Classification Summary - May 2015. Collection method: clinical testing. Allele origin: germline.
Comment: Variant summary: FGFR3 c.955_957delAAG (p.Lys319del) results in an in-frame deletion that is predicted to remove one amino acid from the encoded protein. The variant allele was found at a frequency of 5.6e-05 in 250432 control chromosomes. To our knowledge, no occurrence of c.955_957delAAG in individuals affected with Achondroplasia and no experimental evidence demonstrating its impact on protein function have been reported. ClinVar contains an entry for this variant (Variation ID: 1706295). Based on the evidence outlined above, the variant was classified as uncertain significance.

ARUP Laboratories, Molecular Genetics and Genomics, ARUP Laboratories
Classification: Uncertain significance. Last evaluated: 2023-05-09. Review status: criteria provided, single submitter. Criteria: ARUP Molecular Germline Variant Investigation Process 2024. Collection method: clinical testing. Allele origin: germline.
Comment: The FGFR3 c.955_957del; p.Lys319del variant (rs755356471), to our knowledge, is not reported in the medical literature but is reported in ClinVar (Variation ID: 1706295). This variant is found in the general population with an overall allele frequency of 0.005% (15/281780 alleles) in the Genome Aggregation Database. This variant deletes a single lysine residue leaving the rest of the protein in-frame. Due to limited information, the clinical significance of this variant is uncertain at this time.